The following is an entry in ClinVar:

ClinVar aggregate classification (germline): Likely benign. Review status: criteria provided, multiple submitters, no conflicts (2 of 4 stars). 4 submissions from 4 submitters: Likely benign (4). Last evaluated 2026-02-01.

Conditions:
PIK3CA-related disorder. Also called: PIK3CA- related disease; PIK3CA-related condition; PIK3CA-related disorders.
Cowden syndrome (CS). Also called: Cowden's disease; Cowden's syndrome; Cowden disease. Identifiers: Orphanet 201, MedGen C0018553, MONDO:0016063. Disease mechanism: gain of function.
Inborn genetic diseases. Identifiers: MedGen C0950123, MeSH D030342.

Allele frequency attached by ClinVar (database versions not stated): gnomAD exomes 0.00006 and 0.00004; ESP Exome Variant Server 0.00008; TOPMed 0.00002; ExAC 0.00004.
gnomAD v4.1: 83 of 1,583,466 alleles (0.0052%); highest among the groups gnomAD compares: Non-Finnish European, 0.0067%; no homozygotes.

Submissions (4):

CeGaT Center for Human Genetics Tuebingen
Classification: Likely benign. Last evaluated: 2026-02-01. Review status: criteria provided, single submitter. Criteria: CeGaT Center For Human Genetics Tuebingen Variant Classification Criteria Version 2. Collection method: clinical testing. Allele origin: germline. Affected: yes. Observed: 1 variant allele.
Comment: PIK3CA: BP4, BP7

PreventionGenetics, part of Exact Sciences
Classification: Likely benign for PIK3CA-related condition. Last evaluated: 2024-10-30. Review status: criteria provided, single submitter. Criteria: ACMG Guidelines, 2015. Collection method: clinical testing. Allele origin: germline.
Comment: This variant is classified as likely benign based on ACMG/AMP sequence variant interpretation guidelines (Richards et al. 2015 PMID: 25741868, with internal and published modifications).

Labcorp Genetics (formerly Invitae), Labcorp
Classification: Likely benign for Cowden syndrome. Last evaluated: 2023-06-06. Review status: criteria provided, single submitter. Criteria: Invitae Variant Classification Sherloc (09022015). Collection method: clinical testing. Allele origin: germline.

Ambry Genetics
Classification: Likely benign for Inborn genetic diseases. Last evaluated: 2022-02-21. Review status: criteria provided, single submitter. Criteria: Ambry Variant Classification Scheme 2023. Collection method: clinical testing. Allele origin: germline.

NM_006218.4(PIK3CA):c.1263A>G (p.Pro421=)

Gene: PIK3CA (phosphatidylinositol-4,5-bisphosphate 3-kinase catalytic subunit alpha; plus strand). Cytogenetic location: 3q26.32.
Variant type: single nucleotide variant.
Coding change: c.1263A>G on transcript NM_006218.4 (MANE Select); coding-DNA position 1263, A replaced by G.
Protein change: p.Pro421=; no amino-acid change (proline 421 retained).
Molecular consequence: synonymous variant.
Genome position (GRCh38, 1-based): chr3:179,210,197, A>G. VCF-style: chr3-179210197-A-G. GRCh37 (hg19) VCF-style: chr3-178927985-A-G.
Other names: c.1263A>G (NM_006218.3).
Identifiers: ClinVar variation 701580 (VCV000701580.18), dbSNP rs199927451, ClinGen allele CA2710690.